The following is an entry in ClinVar:

NM_003560.4(PLA2G6):c.425+3G>T

Gene: PLA2G6 (phospholipase A2 group VI; minus strand). Cytogenetic location: 22q13.1.
Variant type: single nucleotide variant.
Coding change: c.425+3G>T on transcript NM_003560.4 (MANE Select); 3 bases into the intron after coding-DNA position 425, G replaced by T.
Molecular consequence: intron variant.
Genome position (GRCh38, 1-based): chr22:38,145,435, C>A on the plus strand (G>T on the coding strand, the complement: PLA2G6 is on the minus strand). VCF-style: chr22-38145435-C-A. GRCh37 (hg19) VCF-style: chr22-38541442-C-A.
Other names: c.-66+3G>T (NM_001349868.2); c.425+3G>T (NM_001349866.2, NM_001199562.3, NM_001349865.2 and 2 more transcripts); c.-110+3G>T (NM_001349869.2, NM_001349867.2).
Identifiers: ClinVar variation 661906 (VCV000661906.10), dbSNP rs747289673, ClinGen allele CA10231274.
Genomic context (GRCh38, chr22:38,145,435, plus strand): 5'-CCCCCACTGCCCACACAAGCAGGTACACACACGTTGTCCAAATGGTCTTGTTCCCTTGCT[C>A]ACCTGATGATACGGCTGTGATGGAAGCACTCGCGGATCCCTAGCTCCACAGCCAGGTGGG-3'

ClinVar aggregate classification (germline): Conflicting classifications of pathogenicity. Review status: criteria provided, conflicting classifications (1 of 4 stars). 4 submissions from 4 submitters: Likely pathogenic (1); Uncertain significance (3). Last evaluated 2026-01-22.

Conditions:
Inborn genetic diseases. Identifiers: MedGen C0950123, MeSH D030342.
Infantile neuroaxonal dystrophy (NBIA2A). Also called: NEURODEGENERATION WITH BRAIN IRON ACCUMULATION 2A; Infantile neuroaxonal dystrophy 1; SEITELBERGER DISEASE. Identifiers: Orphanet 35069, MedGen C0270724, MONDO:0024457, OMIM 256600.
PLA2G6-related disorder. Also called: PLA2G6-related condition.

Allele frequency attached by ClinVar (database versions not stated): ExAC 0.00002; gnomAD 0.00002 and 0.00005; gnomAD exomes 0.00002; TOPMed 0.00004.
gnomAD v4.1: 47 of 1,602,556 alleles (0.0029%); highest among the groups gnomAD compares: Non-Finnish European, 0.0038%; no homozygotes.

Submissions (4):

Women's Health and Genetics/Laboratory Corporation of America, LabCorp
Classification: Uncertain significance. Last evaluated: 2026-01-22. Review status: criteria provided, single submitter. Criteria: LabCorp Variant Classification Summary - May 2015. Collection method: clinical testing. Allele origin: germline.

Blueprint Genetics
Classification: Likely pathogenic for PLA2G6-related disorders. Last evaluated: 2024-05-22. Review status: criteria provided, single submitter. Criteria: ACMG Guidelines, 2015. Collection method: clinical testing. Allele origin: germline. Affected: yes. Observed: 5 variant alleles.

Labcorp Genetics (formerly Invitae), Labcorp
Classification: Uncertain significance for Infantile neuroaxonal dystrophy. Last evaluated: 2022-06-12. Review status: criteria provided, single submitter. Criteria: Invitae Variant Classification Sherloc (09022015). Collection method: clinical testing. Allele origin: germline.
Comment: This sequence change falls in intron 3 of the PLA2G6 gene. It does not directly change the encoded amino acid sequence of the PLA2G6 protein. It affects a nucleotide within the consensus splice site. This variant is present in population databases (rs747289673, gnomAD 0.004%). This variant has not been reported in the literature in individuals affected with PLA2G6-related conditions. ClinVar contains an entry for this variant (Variation ID: 661906). Variants that disrupt the consensus splice site are a relatively common cause of aberrant splicing (PMID: 17576681, 9536098). Algorithms developed to predict the effect of sequence changes on RNA splicing suggest that this variant is not likely to affect RNA splicing. In summary, the available evidence is currently insufficient to determine the role of this variant in disease. Therefore, it has been classified as a Variant of Uncertain Significance.

Ambry Genetics
Classification: Uncertain significance for Inborn genetic diseases. Last evaluated: 2022-02-28. Review status: criteria provided, single submitter. Criteria: Ambry Variant Classification Scheme 2023. Collection method: clinical testing. Allele origin: germline.
Comment: The c.425+3G>T intronic alteration consists of a G to T substitution 3 nucleotides after exon 3 (coding exon 2) of the PLA2G6 gene. Based on insufficient or conflicting evidence, the clinical significance of this alteration remains unclear.

Literature cited by the submitters: PubMed 17576681 (cited by Labcorp Genetics (formerly Invitae), Labcorp); PubMed 9536098 (cited by Labcorp Genetics (formerly Invitae), Labcorp).